The following is an entry in ClinVar:

ClinVar aggregate classification (germline): Uncertain significance (1 of 4 stars; one submission).

Conditions:
Shprintzen-Goldberg syndrome (SGS). Also called: SHPRINTZEN-GOLDBERG CRANIOSYNOSTOSIS SYNDROME; CRANIOSYNOSTOSIS WITH ARACHNODACTYLY AND ABDOMINAL HERNIAS; Marfanoid disorder with craniosynostosis type 1; Marfanoid craniosynostosis syndrome; Shprintzen-Goldberg marfanoid syndrome. Identifiers: Orphanet 2462, MedGen C1321551, MONDO:0008426, OMIM 182212.

Submission:

Labcorp Genetics (formerly Invitae), Labcorp
Classification: Uncertain significance for Shprintzen-Goldberg syndrome. Last evaluated: 2022-02-20. Review status: criteria provided, single submitter. Criteria: Invitae Variant Classification Sherloc (09022015). Collection method: clinical testing. Allele origin: germline.
Comment: In summary, the available evidence is currently insufficient to determine the role of this variant in disease. Therefore, it has been classified as a Variant of Uncertain Significance. Advanced modeling of protein sequence and biophysical properties (such as structural, functional, and spatial information, amino acid conservation, physicochemical variation, residue mobility, and thermodynamic stability) performed at Invitae indicates that this missense variant is not expected to disrupt SKI protein function. This variant has not been reported in the literature in individuals affected with SKI-related conditions. This variant is not present in population databases (gnomAD no frequency). This sequence change replaces phenylalanine, which is neutral and non-polar, with leucine, which is neutral and non-polar, at codon 504 of the SKI protein (p.Phe504Leu).

NM_003036.4(SKI):c.1512T>G (p.Phe504Leu)

Gene: SKI (SKI proto-oncogene; plus strand). Cytogenetic location: 1p36.32.
Variant type: single nucleotide variant.
Coding change: c.1512T>G on transcript NM_003036.4 (MANE Select); coding-DNA position 1512, T replaced by G.
Protein change: p.Phe504Leu; replaces phenylalanine 504 with leucine.
Molecular consequence: missense variant.
Genome position (GRCh38, 1-based): chr1:2,304,330, T>G. VCF-style: chr1-2304330-T-G. GRCh37 (hg19) VCF-style: chr1-2235769-T-G.
Other names: short protein forms F504L.
Identifiers: ClinVar variation 1978797 (VCV001978797.4), dbSNP rs2521491989, ClinGen allele CA337957086.